The following is an entry in ClinVar:

ClinVar aggregate classification (germline): Likely benign (1 of 4 stars; one submission).

gnomAD v4.1: 6 of 1,612,678 alleles (0.00037%); highest among the groups gnomAD compares: East Asian, 0.011%; no homozygotes.

Submission:

CeGaT Center for Human Genetics Tuebingen
Classification: Likely benign. Last evaluated: 2026-01-01. Review status: criteria provided, single submitter. Criteria: CeGaT Center For Human Genetics Tuebingen Variant Classification Criteria Version 2. Collection method: clinical testing. Allele origin: germline. Affected: yes. Observed: 1 variant allele.
Comment: CDC42BPB: BP4, BP7

NM_006035.4(CDC42BPB):c.837G>A (p.Thr279=)

Gene: CDC42BPB (CDC42 binding protein kinase beta; minus strand). Cytogenetic location: 14q32.32.
Variant type: single nucleotide variant.
Coding change: c.837G>A on transcript NM_006035.4 (MANE Select); coding-DNA position 837, G replaced by A.
Protein change: p.Thr279=; no amino-acid change (threonine 279 retained).
Molecular consequence: synonymous variant.
Genome position (GRCh38, 1-based): chr14:102,983,610, C>T on the plus strand (G>A on the coding strand, the complement: CDC42BPB is on the minus strand). VCF-style: chr14-102983610-C-T. GRCh37 (hg19) VCF-style: chr14-103449947-C-T.
Other names: c.837G>A, p.Thr279= (NM_001411054.1).
Identifiers: ClinVar variation 4822811 (VCV004822811.4).